The following is an entry in ClinVar:

NM_001999.4(FBN2):c.6977G>C (p.Gly2326Ala)

Gene: FBN2 (fibrillin 2; minus strand). Cytogenetic location: 5q23.3.
Variant type: single nucleotide variant.
Coding change: c.6977G>C on transcript NM_001999.4 (MANE Select); coding-DNA position 6977, G replaced by C.
Protein change: p.Gly2326Ala; replaces glycine 2326 with alanine.
Molecular consequence: missense variant.
Genome position (GRCh38, 1-based): chr5:128,286,753, C>G on the plus strand (G>C on the coding strand, the complement: FBN2 is on the minus strand). VCF-style: chr5-128286753-C-G. GRCh37 (hg19) VCF-style: chr5-127622445-C-G.
Other names: short protein forms G2326A.
Identifiers: ClinVar variation 528402 (VCV000528402.9), dbSNP rs1554117875, ClinGen allele CA360758815.

ClinVar aggregate classification (germline): Uncertain significance (1 of 4 stars; one submission).

Conditions:
Congenital contractural arachnodactyly (CCA). Also called: Beals-Hecht syndrome; BEALS SYNDROME; Arthrogryposis, distal, type 9. Identifiers: Orphanet 115, MedGen C0220668, MONDO:0007363, OMIM 121050.

Submission:

Labcorp Genetics (formerly Invitae), Labcorp
Classification: Uncertain significance for Congenital contractural arachnodactyly. Last evaluated: 2017-10-23. Review status: criteria provided, single submitter. Criteria: Invitae Variant Classification Sherloc (09022015). Collection method: clinical testing. Allele origin: germline.
Comment: This sequence change replaces glycine with alanine at codon 2326 of the FBN2 protein (p.Gly2326Ala). The glycine residue is highly conserved and there is a small physicochemical difference between glycine and alanine. This variant is not present in population databases (ExAC no frequency). This variant has not been reported in the literature in individuals with FBN2-related disease. Algorithms developed to predict the effect of missense changes on protein structure and function (SIFT, PolyPhen-2, Align-GVGD) all suggest that this variant is likely to be disruptive, but these predictions have not been confirmed by published functional studies and their clinical significance is uncertain. In summary, the available evidence is currently insufficient to determine the role of this variant in disease. Therefore, it has been classified as a Variant of Uncertain Significance.